The following is an entry in ClinVar:

ClinVar aggregate classification (germline): Pathogenic/Likely pathogenic. Review status: criteria provided, multiple submitters, no conflicts (2 of 4 stars). 3 submissions from 3 submitters: Pathogenic (1); Likely pathogenic (2). Last evaluated 2026-01-06.

Conditions:
Osteogenesis imperfecta type 11. Also called: Osteogenesis imperfecta, type XI; OI, TYPE XI. Identifiers: Orphanet 666, MedGen C3151218, MONDO:0012592, OMIM 610968.
Osteogenesis imperfecta (OI). Identifiers: Orphanet 666, MedGen C0029434, MeSH D010013, MONDO:0019019.

Submissions (3):

3billion
Classification: Pathogenic for Osteogenesis imperfecta type 11. Last evaluated: 2026-01-06. Review status: criteria provided, single submitter. Criteria: ACMG Guidelines, 2015. Collection method: clinical testing. Allele origin: germline. Affected: yes.
Comment: The variant is not observed in the gnomAD v4.1.0 dataset. Predicted Consequence/Location: Frameshift: predicted to result in a loss or disruption of normal protein function through nonsense-mediated decay (NMD) or protein truncation. Multiple pathogenic variants are reported downstream of the variant. The variant has been reported at least twice as pathogenic without evidence for the classification (ClinVar ID: VCV000191076 /PMID: 27717089). Therefore, this variant is classified as Pathogenic according to the recommendation of ACMG/AMP guideline.

Dubai Health Genomic Medicine Center, Dubai Health
Classification: Likely pathogenic for Osteogenesis imperfecta. Last evaluated: 2024-10-04. Review status: criteria provided, single submitter. Criteria: ACMG Guidelines, 2015. Collection method: research. Allele origin: germline. Affected: yes.
Comment: PVS1,PM2

Genomic Medicine Center of Excellence, King Faisal Specialist Hospital and Research Centre
Classification: Likely pathogenic. Review status: criteria provided, single submitter. Criteria: ACMG Guidelines, 2015. Collection method: research. Allele origin: germline. Affected: yes.

Literature cited by the submitters: PubMed 27717089 (cited by 3billion).

NM_021939.4(FKBP10):c.354del (p.Ile118fs)

Gene: FKBP10 (FKBP prolyl isomerase 10; plus strand). Cytogenetic location: 17q21.2.
Variant type: Deletion.
Coding change: c.354del on transcript NM_021939.4 (MANE Select); coding-DNA position 354, one base deleted (T; older notation c.354delT).
Protein change: p.Ile118fs; shifts the reading frame from isoleucine 118.
Molecular consequence: frameshift variant.
Genome position (GRCh38, 1-based): chr17:41,817,166, T deleted; the last of 2 consecutive T bases (chr17:41,817,165-41,817,166); deleting either gives the same sequence. VCF-style (leftmost placement, unchanged base first): chr17-41817164-AT-A. GRCh37 (hg19) VCF-style: chr17-39973416-AT-A.
Other names: short protein forms I118fs.
Identifiers: ClinVar variation 191076 (VCV000191076.3), dbSNP rs797044559, ClinGen allele CA235968.